The following is an entry in ClinVar:

NM_020928.2(ZSWIM6):c.1325A>T (p.Asp442Val)

Gene: ZSWIM6 (zinc finger SWIM-type containing 6; plus strand). Cytogenetic location: 5q12.1.
Variant type: single nucleotide variant.
Coding change: c.1325A>T on transcript NM_020928.2 (MANE Select); coding-DNA position 1325, A replaced by T.
Protein change: p.Asp442Val; replaces aspartic acid 442 with valine.
Molecular consequence: missense variant.
Genome position (GRCh38, 1-based): chr5:61,494,402, A>T. VCF-style: chr5-61494402-A-T. GRCh37 (hg19) VCF-style: chr5-60790229-A-T.
Other names: short protein forms D442V.
Identifiers: ClinVar variation 2707982 (VCV002707982.3), dbSNP rs2479069509, ClinGen allele CA359942755.

ClinVar aggregate classification (germline): Uncertain significance (1 of 4 stars; one submission).

Submission:

Labcorp Genetics (formerly Invitae), Labcorp
Classification: Uncertain significance. Last evaluated: 2024-01-06. Review status: criteria provided, single submitter. Criteria: Invitae Variant Classification Sherloc (09022015). Collection method: clinical testing. Allele origin: germline.
Comment: This sequence change replaces aspartic acid, which is acidic and polar, with valine, which is neutral and non-polar, at codon 442 of the ZSWIM6 protein (p.Asp442Val). This variant is not present in population databases (gnomAD no frequency). This variant has not been reported in the literature in individuals affected with ZSWIM6-related conditions. Advanced modeling of protein sequence and biophysical properties (such as structural, functional, and spatial information, amino acid conservation, physicochemical variation, residue mobility, and thermodynamic stability) performed at Invitae indicates that this missense variant is not expected to disrupt ZSWIM6 protein function with a negative predictive value of 80%. In summary, the available evidence is currently insufficient to determine the role of this variant in disease. Therefore, it has been classified as a Variant of Uncertain Significance.